The following is an entry in ClinVar:

NM_032043.3(BRIP1):c.1670C>G (p.Ser557Cys)

Gene: BRIP1 (BRCA1 interacting DNA helicase 1; minus strand). Cytogenetic location: 17q23.2.
Variant type: single nucleotide variant.
Coding change: c.1670C>G on transcript NM_032043.3 (MANE Select); coding-DNA position 1670, C replaced by G.
Protein change: p.Ser557Cys; replaces serine 557 with cysteine.
Molecular consequence: missense variant.
Genome position (GRCh38, 1-based): chr17:61,780,964, G>C on the plus strand (C>G on the coding strand, the complement: BRIP1 is on the minus strand). VCF-style: chr17-61780964-G-C. GRCh37 (hg19) VCF-style: chr17-59858325-G-C.
Other names: short protein forms S557C.
Identifiers: ClinVar variation 4630939 (VCV004630939.1).

ClinVar aggregate classification (germline): Uncertain significance (1 of 4 stars; one submission).

Conditions:
Hereditary cancer-predisposing syndrome. Also called: Neoplastic Syndromes, Hereditary; Tumor predisposition; Hereditary Cancer Syndrome; Hereditary neoplastic syndrome. Identifiers: Orphanet 140162, MedGen C0027672, MeSH D009386, MONDO:0015356.

Submission:

Ambry Genetics
Classification: Uncertain significance for Hereditary cancer-predisposing syndrome. Last evaluated: 2025-10-15. Review status: criteria provided, single submitter. Criteria: Ambry Variant Classification Scheme 2023. Collection method: clinical testing. Allele origin: germline.
Comment: The p.S557C variant (also known as c.1670C>G), located in coding exon 11 of the BRIP1 gene, results from a C to G substitution at nucleotide position 1670. The serine at codon 557 is replaced by cysteine, an amino acid with dissimilar properties. This amino acid position is conserved. In addition, the in silico prediction for this alteration is inconclusive. Based on the available evidence, the clinical significance of this variant remains unclear.